The following is an entry in ClinVar:

ClinVar aggregate classification (germline): Uncertain significance (1 of 4 stars; one submission).

Conditions:
Short-rib thoracic dysplasia 14 with polydactyly (SRTD14). Identifiers: Orphanet 397715, MedGen C4225286, MONDO:0014688, OMIM 616546.
Joubert syndrome 23 (JBTS23). Identifiers: Orphanet 475, MedGen C4084822, MONDO:0014664, OMIM 616490.

Submission:

Labcorp Genetics (formerly Invitae), Labcorp
Classification: Uncertain significance for Joubert syndrome 23; Short-rib thoracic dysplasia 14 with polydactyly. Last evaluated: 2026-01-19. Review status: criteria provided, single submitter. Criteria: Invitae Variant Classification Sherloc (09022015). Collection method: clinical testing. Allele origin: germline.
Comment: This sequence change replaces threonine, which is neutral and polar, with serine, which is neutral and polar, at codon 807 of the KIAA0586 protein (p.Thr807Ser). This variant is not present in population databases (gnomAD no frequency). This variant has not been reported in the literature in individuals affected with KIAA0586-related conditions. ClinVar contains an entry for this variant (Variation ID: 2013381). Invitae Evidence Modeling of protein sequence and biophysical properties (such as structural, functional, and spatial information, amino acid conservation, physicochemical variation, residue mobility, and thermodynamic stability) has been performed for this missense variant. However, the output from this modeling did not meet the statistical confidence thresholds required to predict the impact of this variant on KIAA0586 protein function. In summary, the available evidence is currently insufficient to determine the role of this variant in disease. Therefore, it has been classified as a Variant of Uncertain Significance.

NM_001329943.3(KIAA0586):c.2260A>T (p.Thr754Ser)

Gene: KIAA0586 (KIAA0586; plus strand). Cytogenetic location: 14q23.1.
Variant type: single nucleotide variant.
Coding change: c.2260A>T on transcript NM_001329943.3 (MANE Select); coding-DNA position 2260, A replaced by T.
Protein change: p.Thr754Ser; replaces threonine 754 with serine.
Molecular consequence: missense variant.
Genome position (GRCh38, 1-based): chr14:58,467,740, A>T. VCF-style: chr14-58467740-A-T. GRCh37 (hg19) VCF-style: chr14-58934458-A-T.
Other names: c.2419A>T, p.Thr807Ser (NM_001244189.2); c.2215A>T, p.Thr739Ser (NM_001244190.2); c.2005A>T, p.Thr669Ser (NM_001244191.2, NM_001329945.2, NM_001364700.1 and 1 more transcripts); c.2128A>T, p.Thr710Ser (NM_001244192.2); c.1840A>T, p.Thr614Ser (NM_001244193.2); c.2260A>T, p.Thr754Ser (NM_001329944.2, NM_001329946.2, NM_001329947.2); c.2032A>T, p.Thr678Ser (NM_014749.5); short protein forms T669S, T678S, T807S, T710S, T754S, T614S, T739S.
Identifiers: ClinVar variation 2013381 (VCV002013381.4), dbSNP rs2543274199, ClinGen allele CA389874931.